The following is an entry in ClinVar:

ClinVar aggregate classification (germline): Likely pathogenic (1 of 4 stars; one submission).

Conditions:
Acrodysostosis 2 with or without hormone resistance. Also called: ACRODYSOSTOSIS 2 WITH HORMONE RESISTANCE; ACRODYSOSTOSIS 2 WITHOUT HORMONE RESISTANCE. Identifiers: Orphanet 280651, MedGen C3553250, MONDO:0013822, OMIM 614613.

Submission:

Rady Children's Institute for Genomic Medicine, Rady Children's Hospital San Diego
Classification: Likely pathogenic for Acrodysostosis 2 with or without hormone resistance. Last evaluated: 2024-11-26. Review status: criteria provided, single submitter. Criteria: ACMG Guidelines, 2015. Collection method: clinical testing. Allele origin: germline. Affected: yes.
Comment: The c.947T>A (p.Leu316His) variant affects a highly conserved amino acid and is predicted by multiple in silico tools to have a deleterious effect on protein function. This variant has not been previously reported or functionally characterized in the literature to our knowledge. A different amino acid change at the same residue (p.Leu316Phe) has been previously reported in an individual presenting with intrauterine and postnatal growth restriction, short stature, mild obesity, facial and peripheral dysostosis, and mild intellectual disability; consistent with a diagnosis of acrodysostosis (PMID: 30006632). The c.947T>A (p.Leu316His) variant is absent from the latest version of the gnomAD population database and thus is presumed to be rare. Based on parental analysis, this variant likely occurred as a de novo event. Based on the available evidence, c.947T>A (p.Leu316His) is classified as Likely Pathogenic.

Literature cited by the submitters: PubMed 30006632.

NM_001104631.2(PDE4D):c.947T>A (p.Leu316His)

Gene: PDE4D (phosphodiesterase 4D; minus strand). Cytogenetic location: 5q11.2.
Variant type: single nucleotide variant.
Coding change: c.947T>A on transcript NM_001104631.2 (MANE Select); coding-DNA position 947, T replaced by A.
Protein change: p.Leu316His; replaces leucine 316 with histidine.
Molecular consequence: missense variant.
Genome position (GRCh38, 1-based): chr5:58,993,440, A>T on the plus strand (T>A on the coding strand, the complement: PDE4D is on the minus strand). VCF-style: chr5-58993440-A-T. GRCh37 (hg19) VCF-style: chr5-58289267-A-T.
Other names: c.764T>A, p.Leu255His (NM_001165899.2, NM_001364599.1); c.755T>A, p.Leu252His (NM_001197218.2); c.581T>A, p.Leu194His (NM_001197219.2); c.557T>A, p.Leu186His (NM_001197220.2); c.41T>A, p.Leu14His (NM_001197221.2, NM_001364603.1); c.275T>A, p.Leu92His (NM_001197222.2); c.74T>A, p.Leu25His (NM_001197223.2); c.734T>A, p.Leu245His (NM_001349241.2); and 3 more; short protein forms L14H, L180H, L186H, L194H, L206H, L245H, L252H, L255H.
Identifiers: ClinVar variation 4814188 (VCV004814188.1).
Genomic context (GRCh38, chr5:58,993,440, plus strand): 5'-GTGTTTGATATAAACTCTGACACTTGATTTCCAGACCGACTCATTTCAGAGAGATGGGTG[A>T]GCTCCCGATTAAGCATCCTTTTAAACTGAAAAACAGAAAAGTAAAATGAAATAATAGAAG-3'
Protein context (NP_001098101.1, residues 306-326): NKFKRMLNRE[Leu316His]THLSEMSRSG